The following is an entry in ClinVar:

ClinVar aggregate classification (germline): Uncertain significance. Review status: criteria provided, multiple submitters, no conflicts (2 of 4 stars). 4 submissions from 4 submitters: Uncertain significance (4). Last evaluated 2025-10-17.

Conditions:
Inborn genetic diseases. Identifiers: MedGen C0950123, MeSH D030342.

Allele frequency attached by ClinVar (database versions not stated): gnomAD exomes 0.00009 and 0.00021; 1000 Genomes Project 30x 0.00016; 1000 Genomes Project 0.00020; ExAC 0.00021; gnomAD 0.00042 and 0.00047; TOPMed 0.00046; ESP Exome Variant Server 0.00062.

Submissions (4):

Labcorp Genetics (formerly Invitae), Labcorp
Classification: Uncertain significance. Last evaluated: 2025-10-17. Review status: criteria provided, single submitter. Criteria: Invitae Variant Classification Sherloc (09022015). Collection method: clinical testing. Allele origin: germline.
Comment: This sequence change replaces arginine, which is basic and polar, with glutamine, which is neutral and polar, at codon 773 of the CUL7 protein (p.Arg773Gln). This variant is present in population databases (rs144619494, gnomAD 0.2%). This variant has not been reported in the literature in individuals affected with CUL7-related conditions. ClinVar contains an entry for this variant (Variation ID: 193713). Invitae Evidence Modeling of protein sequence and biophysical properties (such as structural, functional, and spatial information, amino acid conservation, physicochemical variation, residue mobility, and thermodynamic stability) indicates that this missense variant is not expected to disrupt CUL7 protein function with a negative predictive value of 80%. In summary, the available evidence is currently insufficient to determine the role of this variant in disease. Therefore, it has been classified as a Variant of Uncertain Significance.

Ambry Genetics
Classification: Uncertain significance for Inborn genetic diseases. Last evaluated: 2023-03-17. Review status: criteria provided, single submitter. Criteria: Ambry Variant Classification Scheme 2023. Collection method: clinical testing. Allele origin: germline.

Eurofins Ntd Llc (ga)
Classification: Uncertain significance. Last evaluated: 2015-10-26. Review status: criteria provided, single submitter. Criteria: EGL Classification Definitions 2015. Collection method: clinical testing. Allele origin: germline. Observed: 2 variant alleles, 2 heterozygotes.

Breakthrough Genomics
Classification: Uncertain significance. Review status: criteria provided, single submitter. Criteria: ACMG Guidelines, 2015. Collection method: not provided. Allele origin: germline. Inheritance: Autosomal recessive inheritance. Affected: yes.

NM_014780.5(CUL7):c.2318G>A (p.Arg773Gln)

Gene: CUL7 (cullin 7; minus strand). Cytogenetic location: 6p21.1.
Variant type: single nucleotide variant.
Coding change: c.2318G>A on transcript NM_014780.5 (MANE Select); coding-DNA position 2318, G replaced by A.
Protein change: p.Arg773Gln; replaces arginine 773 with glutamine.
Molecular consequence: missense variant.
Genome position (GRCh38, 1-based): chr6:43,046,959, C>T on the plus strand (G>A on the coding strand, the complement: CUL7 is on the minus strand). VCF-style: chr6-43046959-C-T. GRCh37 (hg19) VCF-style: chr6-43014697-C-T.
Other names: c.2414G>A, p.Arg805Gln (NM_001168370.2, NM_001374872.1); c.2318G>A, p.Arg773Gln (NM_001374873.1, NM_001374874.1); c.2318G>A (NM_014780.4); short protein forms R773Q, R805Q.
Identifiers: ClinVar variation 193713 (VCV000193713.12), dbSNP rs144619494, ClinGen allele CA239320.